The following is an entry in ClinVar:

ClinVar aggregate classification (germline): Uncertain significance (1 of 4 stars; one submission).

Allele frequency attached by ClinVar (database versions not stated): TOPMed below 0.00001; gnomAD 0.00001.
gnomAD v4.1: 1 of 1,614,070 alleles (0.000062%); highest among the groups gnomAD compares: Non-Finnish European, 0.000085%; no homozygotes.

Submission:

Ambry Genetics
Classification: Uncertain significance. Last evaluated: 2024-09-01. Review status: criteria provided, single submitter. Criteria: Ambry Variant Classification Scheme 2023. Collection method: clinical testing. Allele origin: germline.
Comment: The p.S1536Y variant (also known as c.4607C>A), located in coding exon 4 of the ALPK2 gene, results from a C to A substitution at nucleotide position 4607. The serine at codon 1536 is replaced by tyrosine, an amino acid with dissimilar properties. This amino acid position is conserved. In addition, this alteration is predicted to be tolerated by in silico analysis. Since supporting evidence is limited at this time, the clinical significance of this alteration remains unclear.

NM_052947.4(ALPK2):c.4607C>A (p.Ser1536Tyr)

Genes: ALPK2 (alpha kinase 2; minus strand), LOC126862764 (BRD4-independent group 4 enhancer GRCh37_chr18:56202574-56203773; plus strand). Cytogenetic location: 18q21.31.
Variant type: single nucleotide variant.
Coding change: c.4607C>A on transcript NM_052947.4 (MANE Select); coding-DNA position 4607, C replaced by A.
Protein change: p.Ser1536Tyr; replaces serine 1536 with tyrosine.
Molecular consequence: missense variant.
Genome position (GRCh38, 1-based): chr18:58,535,580, G>T on the plus strand (C>A on the coding strand, the complement: ALPK2 is on the minus strand). VCF-style: chr18-58535580-G-T. GRCh37 (hg19) VCF-style: chr18-56202812-G-T.
Other names: short protein forms S1536Y.
Identifiers: ClinVar variation 1741850 (VCV001741850.3), dbSNP rs772550142, ClinGen allele CA402561039.